The following is an entry in ClinVar:

NM_058216.3(RAD51C):c.116_120del (p.Leu39fs)

Gene: RAD51C (RAD51 paralog C; plus strand). Cytogenetic location: 17q22.
Variant type: Deletion.
Coding change: c.116_120del on transcript NM_058216.3 (MANE Select); coding-DNA positions 116 to 120, 5 bases deleted (TAGAG; older notation c.116_120delTAGAG).
Protein change: p.Leu39fs; shifts the reading frame from leucine 39.
Molecular consequence: frameshift variant. On other transcripts: non-coding transcript variant (1).
Genome position (GRCh38, 1-based): chr17:58,692,759-58,692,763, TAGAG deleted. VCF-style (leftmost placement, unchanged base first): chr17-58692758-CTAGAG-C. GRCh37 (hg19) VCF-style: chr17-56770119-CTAGAG-C.
Other names: c.116_120del, p.Leu39fs (NM_002876.4); c.116_120delTAGAG, p.Leu39Argfs (NM_058217.1); short protein forms L39fs.
Identifiers: ClinVar variation 3148328 (VCV003148328.1), dbSNP rs2509262234, ClinGen allele CA2638988863.

ClinVar aggregate classification (germline): Pathogenic (1 of 4 stars; one submission).

Conditions:
Breast-ovarian cancer, familial, susceptibility to, 3. Also called: RAD51C-Related Breast/Ovarian Cancer. Identifiers: Orphanet 145, MedGen C3150659, MONDO:0013253, OMIM 613399.

Allele frequency attached by ClinVar (database versions not stated): gnomAD exomes below 0.00001.

Submission:

Myriad Genetics, Inc.
Classification: Pathogenic for Breast-ovarian cancer, familial, susceptibility to, 3. Last evaluated: 2024-01-02. Review status: criteria provided, single submitter. Criteria: Myriad Autosomal Dominant, Autosomal Recessive and X-Linked Classification Criteria (2023). Collection method: clinical testing. Allele origin: unknown.
Comment: This variant is considered pathogenic. This variant creates a frameshift predicted to result in premature protein truncation.